The following is an entry in ClinVar:

NC_000019.10:g.3980964_3980980del

Gene: EEF2 (eukaryotic translation elongation factor 2; minus strand). Cytogenetic location: 19p13.3.
Variant type: Deletion.
Genome position: GRCh38 VCF-style: chr19-3980958-GCAGCCAGCGGCGCATCA-G. GRCh37 (hg19) VCF-style: chr19-3980956-GCAGCCAGCGGCGCATCA-G.
Identifiers: ClinVar variation 2091795 (VCV002091795.5), dbSNP rs2512203124, ClinGen allele CA2580096970.

ClinVar aggregate classification (germline): Uncertain significance (1 of 4 stars; one submission).

Submission:

Labcorp Genetics (formerly Invitae), Labcorp
Classification: Uncertain significance. Last evaluated: 2022-11-08. Review status: criteria provided, single submitter. Criteria: Invitae Variant Classification Sherloc (09022015). Collection method: clinical testing. Allele origin: germline.
Comment: In summary, the available evidence is currently insufficient to determine the role of this variant in disease. Therefore, it has been classified as a Variant of Uncertain Significance. This variant has not been reported in the literature in individuals affected with EEF2-related conditions. This variant is not present in population databases (gnomAD no frequency). This sequence change creates a premature translational stop signal (p.Val339Alafs*42) in the EEF2 gene. It is expected to result in an absent or disrupted protein product. However, the current clinical and genetic evidence is not sufficient to establish whether loss-of-function variants in EEF2 cause disease.